The following is an entry in ClinVar:

ClinVar aggregate classification (germline): Pathogenic (1 of 4 stars; one submission).

Conditions:
Alstrom syndrome (ALMS). Identifiers: Orphanet 64, MedGen C0268425, MONDO:0008763, OMIM 203800.

Submission:

Labcorp Genetics (formerly Invitae), Labcorp
Classification: Pathogenic for Alstrom syndrome. Last evaluated: 2025-03-20. Review status: criteria provided, single submitter. Criteria: Invitae Variant Classification Sherloc (09022015). Collection method: clinical testing. Allele origin: germline.
Comment: This sequence change creates a premature translational stop signal (p.Val841Aspfs*12) in the ALMS1 gene. It is expected to result in an absent or disrupted protein product. Loss-of-function variants in ALMS1 are known to be pathogenic (PMID: 17594715). This variant is not present in population databases (gnomAD no frequency). This variant has not been reported in the literature in individuals affected with ALMS1-related conditions. ClinVar contains an entry for this variant (Variation ID: 2133001). For these reasons, this variant has been classified as Pathogenic.

Literature cited by the submitters: PubMed 17594715.

NM_001378454.1(ALMS1):c.2519_2525del (p.Val840fs)

Gene: ALMS1 (ALMS1 centrosome and basal body associated protein; plus strand). Cytogenetic location: 2p13.1.
Variant type: Deletion.
Coding change: c.2519_2525del on transcript NM_001378454.1 (MANE Select); coding-DNA positions 2519 to 2525, 7 bases deleted (TTTCTGG; older notation c.2519_2525delTTTCTGG).
Protein change: p.Val840fs; shifts the reading frame from valine 840.
Molecular consequence: frameshift variant.
Genome position (GRCh38, 1-based): chr2:73,449,046-73,449,052, TTTCTGG deleted; deleting any 7 consecutive bases within chr2:73,449,045-73,449,052 gives the same sequence; the c. name uses the placement nearest the transcript's 3' end. VCF-style (leftmost placement, unchanged base first): chr2-73449044-TGTTTCTG-T. GRCh37 (hg19) VCF-style: chr2-73676171-TGTTTCTG-T.
Other names: c.2522_2528del, p.Val841fs (NM_015120.4); short protein forms V841fs, V840fs.
Identifiers: ClinVar variation 2133001 (VCV002133001.4), dbSNP rs2466094878, ClinGen allele CA2580067895.